The following is an entry in ClinVar:

ClinVar aggregate classification (germline): Uncertain significance. Review status: criteria provided, multiple submitters, no conflicts (2 of 4 stars). 4 submissions from 4 submitters: Uncertain significance (4). Last evaluated 2026-07-11.

Conditions:
Familial thoracic aortic aneurysm and aortic dissection (TAAD). Also called: Thoracic aortic aneurysms and dissections. Identifiers: Orphanet 91387, MedGen C4707243, MONDO:0019625.
Ectopia lentis 1, isolated, autosomal dominant (ECTOL1). Identifiers: Orphanet 1885, MedGen C3541518, MONDO:0007514, OMIM 129600.
Progeroid and marfanoid aspect-lipodystrophy syndrome. Also called: MARFANOID-PROGEROID-LIPODYSTROPHY SYNDROME; MARFANOID-PROGEROID SYNDROME; MARFAN-PROGEROID-LIPODYSTROPHY SYNDROME; Marfan lipodystrophy syndrome. Identifiers: Orphanet 300382, MedGen C4310796, MONDO:0014831, OMIM 616914.
Stiff skin syndrome (SSKS). Identifiers: Orphanet 2833, MedGen C1861456, MONDO:0008492, OMIM 184900.
Marfan syndrome (MFS). Also called: MARFAN SYNDROME, TYPE I; Marfan syndrome type 1; Marfan's syndrome; Marfan syndrome, classic; FBN1-Related Marfan Syndrome. Identifiers: Orphanet 284963, Orphanet 558, MedGen C0024796, MONDO:0007947, OMIM 154700.
MASS syndrome (OCTD). Also called: MASS PHENOTYPE; OVERLAP CONNECTIVE TISSUE DISEASE. Identifiers: MedGen C1858556, MONDO:0011431, OMIM 604308.
Weill-Marchesani syndrome 2, dominant. Also called: Weill-Marchesani Syndrome, Autosomal Dominant; FBN1-Related Weill-Marchesani Syndrome. Identifiers: Orphanet 2084, MedGen C1869115, MONDO:0012013, OMIM 608328.
Acromicric dysplasia (ACMICD). Also called: Acromicric skeletal dysplasia. Identifiers: Orphanet 969, MedGen C0265287, MONDO:0007055, OMIM 102370.
Geleophysic dysplasia 2 (GPHYSD2). Identifiers: Orphanet 2623, MedGen C3280054, MONDO:0013612, OMIM 614185.

Allele frequency attached by ClinVar (database versions not stated): gnomAD 0.00001; TOPMed 0.00001.
gnomAD v4.1: 6 of 1,613,982 alleles (0.00037%); highest among the groups gnomAD compares: Admixed American, 0.0017%; no homozygotes.

Submissions (4):

Ambry Genetics
Classification: Uncertain significance for Familial thoracic aortic aneurysm and aortic dissection. Last evaluated: 2026-07-11. Review status: criteria provided, single submitter. Criteria: Ambry Variant Classification Scheme 2023. Collection method: clinical testing. Allele origin: germline.
Comment: The p.I953T variant (also known as c.2858T>C), located in coding exon 24 of the FBN1 gene, results from a T to C substitution at nucleotide position 2858. The isoleucine at codon 953 is replaced by threonine, an amino acid with similar properties. This amino acid position is conserved. In addition, the in silico prediction for this alteration is inconclusive. Based on the available evidence, the clinical significance of this variant remains unclear.

GeneDx
Classification: Uncertain significance. Last evaluated: 2026-03-24. Review status: criteria provided, single submitter. Criteria: GeneDx Variant Classification Process June 2021. Collection method: clinical testing. Allele origin: germline.
Comment: Has not been previously published as pathogenic or benign to our knowledge; Not observed at significant frequency in large population cohorts (gnomAD); In silico analysis suggests that this missense variant does not alter protein structure/function; This variant is associated with the following publications: (PMID: 12938084)

Color Diagnostics, LLC DBA Color Health
Classification: Uncertain significance for Familial thoracic aortic aneurysm and aortic dissection. Last evaluated: 2024-03-06. Review status: criteria provided, single submitter. Criteria: ACMG Guidelines, 2015. Collection method: clinical testing. Allele origin: germline.
Comment: This missense variant replaces isoleucine with threonine at codon 953 of the FBN1 protein. Computational prediction is inconclusive regarding the impact of this variant on protein structure and function (internally defined REVEL score threshold 0.5 < inconclusive < 0.7, PMID: 27666373). To our knowledge, functional studies have not been reported for this variant. This variant has not been reported in individuals affected with cardiovascular disorders in the literature. This variant has not been identified in the general population by the Genome Aggregation Database (gnomAD). The available evidence is insufficient to determine the role of this variant in disease conclusively. Therefore, this variant is classified as a Variant of Uncertain Significance.

Fulgent Genetics
Classification: Uncertain significance for Acromicric dysplasia; Ectopia lentis 1, isolated, autosomal dominant; Marfan syndrome; Stiff skin syndrome; MASS syndrome; Weill-Marchesani syndrome 2, dominant; Geleophysic dysplasia 2; Progeroid and marfanoid aspect-lipodystrophy syndrome. Last evaluated: 2021-10-09. Review status: criteria provided, single submitter. Criteria: ACMG Guidelines, 2015. Collection method: clinical testing. Allele origin: unknown.

NM_000138.5(FBN1):c.2858T>C (p.Ile953Thr)

Gene: FBN1 (fibrillin 1; minus strand). Cytogenetic location: 15q21.1.
Variant type: single nucleotide variant.
Coding change: c.2858T>C on transcript NM_000138.5 (MANE Select); coding-DNA position 2858, T replaced by C.
Protein change: p.Ile953Thr; replaces isoleucine 953 with threonine.
Molecular consequence: missense variant.
Genome position (GRCh38, 1-based): chr15:48,490,075, A>G on the plus strand (T>C on the coding strand, the complement: FBN1 is on the minus strand). VCF-style: chr15-48490075-A-G. GRCh37 (hg19) VCF-style: chr15-48782272-A-G.
Other names: short protein forms I953T.
Identifiers: ClinVar variation 926148 (VCV000926148.8), dbSNP rs1177856657, ClinGen allele CA392330227.